The following is an entry in ClinVar:

NM_005465.7(AKT3):c.803T>C (p.Val268Ala)

Gene: AKT3 (AKT serine/threonine kinase 3; minus strand). Cytogenetic location: 1q44.
Variant type: single nucleotide variant.
Coding change: c.803T>C on transcript NM_005465.7 (MANE Select); coding-DNA position 803, T replaced by C.
Protein change: p.Val268Ala; replaces valine 268 with alanine.
Molecular consequence: missense variant.
Genome position (GRCh38, 1-based): chr1:243,572,942, A>G on the plus strand (T>C on the coding strand, the complement: AKT3 is on the minus strand). VCF-style: chr1-243572942-A-G. GRCh37 (hg19) VCF-style: chr1-243736244-A-G.
Other names: c.803T>C, p.Val268Ala (NM_001206729.2, NM_001370074.1, NM_181690.2); short protein forms V268A.
Identifiers: ClinVar variation 871333 (VCV000871333.52), dbSNP rs1674673024, ClinGen allele CA345671498.
Genomic context (GRCh38, chr1:243,572,942, plus strand): 5'-GTCTCTGCAAAAACAAATTTTGATTACTTTTTTTTTTTTTTTACCTTGAGATCACGGTAC[A>G]CAATCTTTCCGGAATGTAGATAGTCCAAGGCAGAGACAATTTCTGCACCATAGAAACGTG-3'
Protein context (NP_005456.1, residues 258-278): ALDYLHSGKI[Val268Ala]YRDLKLENLM

ClinVar aggregate classification (germline): Conflicting classifications of pathogenicity. Review status: criteria provided, conflicting classifications (1 of 4 stars). 5 submissions from 5 submitters: Pathogenic (2); Likely pathogenic (2); Uncertain significance (1). Last evaluated 2023-03-01.

Conditions:
AKT3-related disorder. Also called: AKT3-related condition.
Megalencephaly-polymicrogyria-polydactyly-hydrocephalus syndrome 2 (MPPH2). Also called: MEGALENCEPHALY-POLYMICROGYRIA-POLYDACTYLY-HYDROCEPHALUS SYNDROME 2, SOMATIC. Identifiers: Orphanet 83473, MedGen C4014738, MONDO:0014407, OMIM 615937.

Submissions (5):

Institute of Human Genetics, University of Leipzig Medical Center
Classification: Likely pathogenic for Megalencephaly-polymicrogyria-polydactyly-hydrocephalus syndrome 2. Last evaluated: 2023-03-01. Review status: criteria provided, single submitter. Criteria: ACMG Guidelines, 2015. Collection method: clinical testing. Allele origin: de novo. Affected: yes.
Comment: This variant was identified as de novo (maternity and paternity confirmed)._x000D_ Criteria applied: PS2_MOD, PS4_MOD, PM2_SUP, PP2, PP3

Blueprint Genetics
Classification: Pathogenic for AKT3-related disorders. Last evaluated: 2022-12-21. Review status: criteria provided, single submitter. Criteria: ACMG Guidelines, 2015. Collection method: clinical testing. Allele origin: de novo. Affected: yes. Observed: 1 variant allele.

Laboratory of Medical Genetics, National & Kapodistrian University of Athens
Classification: Likely pathogenic for Megalencephaly-polymicrogyria-polydactyly-hydrocephalus syndrome 2. Last evaluated: 2021-10-05. Review status: criteria provided, single submitter. Criteria: ACMG Guidelines, 2015. Collection method: clinical testing. Allele origin: de novo. Affected: yes.
Comment: PM1, PM2, PP2, PP3, PP5

Labcorp Genetics (formerly Invitae), Labcorp
Classification: Uncertain significance for Megalencephaly-polymicrogyria-polydactyly-hydrocephalus syndrome 2. Last evaluated: 2020-06-26. Review status: criteria provided, single submitter. Criteria: Invitae Variant Classification Sherloc (09022015). Collection method: clinical testing. Allele origin: germline.
Comment: In summary, the available evidence is currently insufficient to determine the role of this variant in disease. Therefore, it has been classified as a Variant of Uncertain Significance. This variant has been reported to affect AKT3 protein function (PMID: 28969385). This variant has been observed in individual(s) with clinical features of megalencephaly-polymicrogyria-polydactyly-hydrocephalus syndrome (PMID: 28969385). This variant is not present in population databases (ExAC no frequency). This sequence change replaces valine with alanine at codon 268 of the AKT3 protein (p.Val268Ala). The valine residue is highly conserved and there is a small physicochemical difference between valine and alanine.

CeGaT Center for Human Genetics Tuebingen
Classification: Pathogenic. Last evaluated: 2017-12-01. Review status: criteria provided, single submitter. Criteria: CeGaT Center For Human Genetics Tuebingen Variant Classification Criteria Version 2. Collection method: clinical testing. Allele origin: germline. Affected: yes. Observed: 1 variant allele.

Literature cited by the submitters: PubMed 28969385 (cited by Labcorp Genetics (formerly Invitae), Labcorp).